The following is an entry in ClinVar:

NM_002972.4(SBF1):c.4140C>G (p.Phe1380Leu)

Gene: SBF1 (SET binding factor 1; minus strand). Cytogenetic location: 22q13.33.
Variant type: single nucleotide variant.
Coding change: c.4140C>G on transcript NM_002972.4 (MANE Select); coding-DNA position 4140, C replaced by G.
Protein change: p.Phe1380Leu; replaces phenylalanine 1380 with leucine.
Molecular consequence: missense variant.
Genome position (GRCh38, 1-based): chr22:50,456,342, G>C on the plus strand (C>G on the coding strand, the complement: SBF1 is on the minus strand). VCF-style: chr22-50456342-G-C. GRCh37 (hg19) VCF-style: chr22-50894771-G-C.
Other names: c.4065C>G, p.Phe1355Leu (NM_001365819.1); c.4143C>G, p.Phe1381Leu (NM_001410794.1); c.4062C>G, p.Phe1354Leu (NM_001410795.1); c.4140C>G, p.Phe1380Leu (NM_197971.1); short protein forms F1354L, F1355L, F1381L, F1380L.
Identifiers: ClinVar variation 2105934 (VCV002105934.4), dbSNP rs760115907, ClinGen allele CA412199435.

ClinVar aggregate classification (germline): Uncertain significance (1 of 4 stars; one submission).

gnomAD v4.1: 2 of 1,613,184 alleles (0.00012%); highest among the groups gnomAD compares: Non-Finnish European, 0.00017%; no homozygotes.

Submission:

Labcorp Genetics (formerly Invitae), Labcorp
Classification: Uncertain significance. Last evaluated: 2022-05-04. Review status: criteria provided, single submitter. Criteria: Invitae Variant Classification Sherloc (09022015). Collection method: clinical testing. Allele origin: germline.
Comment: In summary, the available evidence is currently insufficient to determine the role of this variant in disease. Therefore, it has been classified as a Variant of Uncertain Significance. Algorithms developed to predict the effect of missense changes on protein structure and function (SIFT, PolyPhen-2, Align-GVGD) all suggest that this variant is likely to be tolerated. This variant has not been reported in the literature in individuals affected with SBF1-related conditions. This variant is not present in population databases (gnomAD no frequency). This sequence change replaces phenylalanine, which is neutral and non-polar, with leucine, which is neutral and non-polar, at codon 1380 of the SBF1 protein (p.Phe1380Leu).